The following is an entry in ClinVar:

ClinVar aggregate classification (germline): Uncertain significance (1 of 4 stars; one submission).

Allele frequency attached by ClinVar (database versions not stated): gnomAD 0.00001; TOPMed 0.00004.
gnomAD v4.1: 22 of 1,614,098 alleles (0.0014%); highest among the groups gnomAD compares: Middle Eastern, 0.049%; 1 homozygote.

Submission:

Labcorp Genetics (formerly Invitae), Labcorp
Classification: Uncertain significance. Last evaluated: 2021-04-24. Review status: criteria provided, single submitter. Criteria: Invitae Variant Classification Sherloc (09022015). Collection method: clinical testing. Allele origin: germline.
Comment: This variant has not been reported in the literature in individuals with AMHR2-related conditions. In summary, the available evidence is currently insufficient to determine the role of this variant in disease. Therefore, it has been classified as a Variant of Uncertain Significance. Algorithms developed to predict the effect of missense changes on protein structure and function output the following: SIFT: "Deleterious"; PolyPhen-2: "Benign"; Align-GVGD: "Class C0". The serine amino acid residue is found in multiple mammalian species, suggesting that this missense change does not adversely affect protein function. These predictions have not been confirmed by published functional studies and their clinical significance is uncertain. This variant is present in population databases (rs778363612, ExAC 0.004%). This sequence change replaces arginine with serine at codon 562 of the AMHR2 protein (p.Arg562Ser). The arginine residue is highly conserved and there is a moderate physicochemical difference between arginine and serine.

NM_020547.3(AMHR2):c.1686G>C (p.Arg562Ser)

Gene: AMHR2 (anti-Mullerian hormone receptor type 2; plus strand). Cytogenetic location: 12q13.13.
Variant type: single nucleotide variant.
Coding change: c.1686G>C on transcript NM_020547.3 (MANE Select); coding-DNA position 1686, G replaced by C.
Protein change: p.Arg562Ser; replaces arginine 562 with serine.
Molecular consequence: missense variant. On other transcripts: 3 prime UTR variant (1).
Genome position (GRCh38, 1-based): chr12:53,431,437, G>C. VCF-style: chr12-53431437-G-C. GRCh37 (hg19) VCF-style: chr12-53825221-G-C.
Other names: c.*245G>C (NM_001164690.2); c.1401G>C, p.Arg467Ser (NM_001164691.2); short protein forms R467S, R562S.
Identifiers: ClinVar variation 1348508 (VCV001348508.8), dbSNP rs778363612, ClinGen allele CA6600674.
Genomic context (GRCh38, chr12:53,431,437, plus strand): 5'-CCCCTGTAGGCCTCAGCGGAGTGCCTGCCACTTCAGCGTTCAGCAAGGCCCTTGTTCCAG[G>C]AATCCTCAGCCTGCCTGTACCCTTTCTCCTGTGTAAATATGCAGTTTATGTGTCATCAAT-3'
Protein context (NP_065434.1, residues 552-572): HFSVQQGPCS[Arg562Ser]NPQPACTLSP